The following is an entry in ClinVar:

NM_001257096.2(PAX1):c.63G>T (p.Ala21=)

Gene: PAX1 (paired box 1; plus strand). Cytogenetic location: 20p11.22.
Variant type: single nucleotide variant.
Coding change: c.63G>T on transcript NM_001257096.2 (MANE Select); coding-DNA position 63, G replaced by T.
Protein change: p.Ala21=; no amino-acid change (alanine 21 retained).
Molecular consequence: synonymous variant.
Genome position (GRCh38, 1-based): chr20:21,705,775, G>T. VCF-style: chr20-21705775-G-T. GRCh37 (hg19) VCF-style: chr20-21686413-G-T.
Other names: p.Ala21=; c.63G>T, p.Ala21= (NM_006192.5).
Identifiers: ClinVar variation 721776 (VCV000721776.31), dbSNP rs980789230, ClinGen allele CA313027364.

ClinVar aggregate classification (germline): Likely benign. Review status: criteria provided, multiple submitters, no conflicts (2 of 4 stars). 4 submissions from 4 submitters: Likely benign (3). 1 of the submissions does not count toward it. Last evaluated 2025-09-28.

Conditions:
PAX1-related disorder. Also called: PAX1-related condition.

Allele frequency attached by ClinVar (database versions not stated): gnomAD exomes 0.00012; gnomAD 0.00020 and 0.00021; TOPMed 0.00021.

Submissions (4):

Labcorp Genetics (formerly Invitae), Labcorp
Classification: Likely benign. Last evaluated: 2025-09-28. Review status: criteria provided, single submitter. Criteria: Invitae Variant Classification Sherloc (09022015). Collection method: clinical testing. Allele origin: germline.

Mayo Clinic Laboratories, Mayo Clinic
Classification: Likely benign. Last evaluated: 2025-03-31. Review status: criteria provided, single submitter. Criteria: ACMG Guidelines, 2015. Collection method: clinical testing. Allele origin: germline. Observed: 1 variant allele.
Comment: BP4, BP7

CeGaT Center for Human Genetics Tuebingen
Classification: Likely benign. Last evaluated: 2024-05-01. Review status: criteria provided, single submitter. Criteria: CeGaT Center For Human Genetics Tuebingen Variant Classification Criteria Version 2. Collection method: clinical testing. Allele origin: germline. Affected: yes. Observed: 1 variant allele.
Comment: PAX1: BP4, BP7

PreventionGenetics, part of Exact Sciences
Classification: Likely benign for PAX1-related condition. Last evaluated: 2024-02-06. Review status: no assertion criteria provided. Collection method: clinical testing. Allele origin: germline. Not counted in ClinVar's aggregate classification.
Comment: This variant is classified as likely benign based on ACMG/AMP sequence variant interpretation guidelines (Richards et al. 2015 PMID: 25741868, with internal and published modifications).